The following is an entry in ClinVar:

ClinVar aggregate classification (germline): Uncertain significance. Review status: criteria provided, multiple submitters, no conflicts (2 of 4 stars). 3 submissions from 3 submitters: Uncertain significance (3). Last evaluated 2025-06-16.

Conditions:
Inborn genetic diseases. Identifiers: MedGen C0950123, MeSH D030342.
Fanconi anemia (FA). Also called: Fanconi's anemia. Identifiers: Orphanet 84, MedGen C0015625, MeSH D005199, MONDO:0019391.
Fanconi anemia complementation group A (FANCA). Also called: Fanconi anemia, group A; FANCA-Related Fanconi Anemia. Identifiers: Orphanet 84, MedGen C3469521, MONDO:0009215, OMIM 227650.

Allele frequency attached by ClinVar (database versions not stated): ExAC 0.00001; TOPMed 0.00001; gnomAD 0.00002; ESP Exome Variant Server 0.00008; 1000 Genomes Project 30x 0.00016; 1000 Genomes Project 0.00020.
gnomAD v4.1: 3 of 1,614,216 alleles (0.00019%); highest among the groups gnomAD compares: African/African-American, 0.0027%; no homozygotes.

Submissions (3):

Ambry Genetics
Classification: Uncertain significance for Inborn genetic diseases. Last evaluated: 2025-06-16. Review status: criteria provided, single submitter. Criteria: Ambry Variant Classification Scheme 2023. Collection method: clinical testing. Allele origin: germline.
Comment: The p.F1052L variant (also known as c.3154T>C), located in coding exon 32 of the FANCA gene, results from a T to C substitution at nucleotide position 3154. The phenylalanine at codon 1052 is replaced by leucine, an amino acid with highly similar properties. This amino acid position is conserved. In addition, this alteration is predicted to be tolerated by in silico analysis. Based on the available evidence, the clinical significance of this variant remains unclear.

Labcorp Genetics (formerly Invitae), Labcorp
Classification: Uncertain significance for Fanconi anemia. Last evaluated: 2022-11-14. Review status: criteria provided, single submitter. Criteria: Invitae Variant Classification Sherloc (09022015). Collection method: clinical testing. Allele origin: germline.
Comment: This sequence change replaces phenylalanine, which is neutral and non-polar, with leucine, which is neutral and non-polar, at codon 1052 of the FANCA protein (p.Phe1052Leu). This variant is present in population databases (rs367820147, gnomAD 0.004%). This variant has not been reported in the literature in individuals affected with FANCA-related conditions. Advanced modeling of protein sequence and biophysical properties (such as structural, functional, and spatial information, amino acid conservation, physicochemical variation, residue mobility, and thermodynamic stability) performed at Invitae indicates that this missense variant is not expected to disrupt FANCA protein function. In summary, the available evidence is currently insufficient to determine the role of this variant in disease. Therefore, it has been classified as a Variant of Uncertain Significance.

Revvity Omics, Revvity
Classification: Uncertain significance for Fanconi anemia complementation group A. Last evaluated: 2020-03-07. Review status: criteria provided, single submitter. Criteria: ACMG Guidelines, 2015. Collection method: clinical testing. Allele origin: germline.

NM_000135.4(FANCA):c.3154T>C (p.Phe1052Leu)

Gene: FANCA (FA complementation group A; minus strand). Cytogenetic location: 16q24.3.
Variant type: single nucleotide variant.
Coding change: c.3154T>C on transcript NM_000135.4 (MANE Select); coding-DNA position 3154, T replaced by C.
Protein change: p.Phe1052Leu; replaces phenylalanine 1052 with leucine.
Molecular consequence: missense variant.
Genome position (GRCh38, 1-based): chr16:89,749,815, A>G on the plus strand (T>C on the coding strand, the complement: FANCA is on the minus strand). VCF-style: chr16-89749815-A-G. GRCh37 (hg19) VCF-style: chr16-89816223-A-G.
Other names: c.3154T>C, p.Phe1052Leu (NM_001286167.3); short protein forms F1052L.
Identifiers: ClinVar variation 2441342 (VCV002441342.7), dbSNP rs367820147, ClinGen allele CA8251320.